The following is an entry in ClinVar:

NM_001009944.3(PKD1):c.4814G>T (p.Gly1605Val)

Gene: PKD1 (polycystin 1, transient receptor potential channel interacting; minus strand). Cytogenetic location: 16p13.3.
Variant type: single nucleotide variant.
Coding change: c.4814G>T on transcript NM_001009944.3 (MANE Select); coding-DNA position 4814, G replaced by T.
Protein change: p.Gly1605Val; replaces glycine 1605 with valine.
Molecular consequence: missense variant.
Genome position (GRCh38, 1-based): chr16:2,110,353, C>A on the plus strand (G>T on the coding strand, the complement: PKD1 is on the minus strand). VCF-style: chr16-2110353-C-A. GRCh37 (hg19) VCF-style: chr16-2160354-C-A.
Other names: c.4814G>T, p.Gly1605Val (NM_000296.4); short protein forms G1605V.
Identifiers: ClinVar variation 5003010 (VCV005003010.1).

ClinVar aggregate classification (germline): Uncertain significance (1 of 4 stars; one submission).

Conditions:
Polycystic kidney disease, adult type (PKD1). Also called: Polycystic Kidney Disease 1, Autosomal Dominant; Polycystic kidney disease 1; Polycystic kidney disease 1, severe; POLYCYSTIC KIDNEY DISEASE, ADULT, TYPE I; POLYCYSTIC KIDNEY DISEASE 1 WITH OR WITHOUT POLYCYSTIC LIVER DISEASE; Polycystic Kidney, Autosomal Dominant. Identifiers: MedGen C3149841, MONDO:0008263, OMIM 173900.

Submission:

OLLIN Analises Genomicas, OLLIN
Classification: Uncertain significance for Polycystic kidney disease, adult type. Last evaluated: 2026-08-06. Review status: criteria provided, single submitter. Criteria: ACMG Guidelines 2015 PMID 25741868. Collection method: clinical testing. Allele origin: germline. Inheritance: Autosomal dominant inheritance.
Comment: This missense variant, located in exon 15 (of 46), is absent from gnomAD and ClinVar and has not been identified in the literature. In silico analysis predicts that this variant has a deleterious effect. According to the currently available evidence, this variant has been classified as uncertain significance (PM2_P, PP3_S).